The following is an entry in ClinVar:

ClinVar aggregate classification (germline): Uncertain significance (1 of 4 stars; one submission).

Submission:

Labcorp Genetics (formerly Invitae), Labcorp
Classification: Uncertain significance. Last evaluated: 2024-06-02. Review status: criteria provided, single submitter. Criteria: Invitae Variant Classification Sherloc (09022015). Collection method: clinical testing. Allele origin: germline.
Comment: This sequence change affects a donor splice site in intron 10 of the ATRIP gene. It is expected to disrupt RNA splicing. Variants that disrupt the donor or acceptor splice site typically lead to a loss of protein function (PMID: 16199547), however the current clinical and genetic evidence is not sufficient to establish whether loss-of-function variants in ATRIP cause disease. This variant is not present in population databases (gnomAD no frequency). This variant has not been reported in the literature in individuals affected with ATRIP-related conditions. Algorithms developed to predict the effect of sequence changes on RNA splicing suggest that this variant may disrupt the consensus splice site. In summary, the available evidence is currently insufficient to determine the role of this variant in disease. Therefore, it has been classified as a Variant of Uncertain Significance.

Literature cited by the submitters: PubMed 16199547.

NM_130384.3(ATRIP):c.1974+1G>A

Genes: ATRIP (ATR interacting protein; plus strand), ATRIP-TREX1 (ATRIP-TREX1 readthrough; plus strand). Cytogenetic location: 3p21.31.
Variant type: single nucleotide variant.
Coding change: c.1974+1G>A on transcript NM_130384.3 (MANE Select); the canonical splice donor site of the intron after coding-DNA position 1974, G replaced by A.
Molecular consequence: splice donor variant.
Genome position (GRCh38, 1-based): chr3:48,464,133, G>A. VCF-style: chr3-48464133-G-A. GRCh37 (hg19) VCF-style: chr3-48505532-G-A.
Other names: c.1974+1G>A (NM_032166.4); c.1593+1G>A (NM_001271022.2); c.1695+1G>A (NM_001271023.2).
Identifiers: ClinVar variation 3655298 (VCV003655298.2).
Genomic context (GRCh38, chr3:48,464,133, plus strand): 5'-ATCACATCACGGCCTGACAGAGTGGCCTTGGAGACACAATGGCTCCAGCTGGAACAAGAG[G>A]TAAAAACTCCAGAGCCCCTTCTGGACACTGTCCCCACCCCATCCTAAGAACCAACAGAAT-3'